The following is an entry in ClinVar:

NM_001197104.2(KMT2A):c.9665A>G (p.Lys3222Arg)

Gene: KMT2A (lysine methyltransferase 2A; plus strand). Cytogenetic location: 11q23.3.
Variant type: single nucleotide variant.
Coding change: c.9665A>G on transcript NM_001197104.2 (MANE Select); coding-DNA position 9665, A replaced by G.
Protein change: p.Lys3222Arg; replaces lysine 3222 with arginine.
Molecular consequence: missense variant.
Genome position (GRCh38, 1-based): chr11:118,505,557, A>G. VCF-style: chr11-118505557-A-G. GRCh37 (hg19) VCF-style: chr11-118376272-A-G.
Other names: c.9656A>G, p.Lys3219Arg (NM_005933.4); short protein forms K3219R, K3222R.
Identifiers: ClinVar variation 1435278 (VCV001435278.9), dbSNP rs782106243, ClinGen allele CA6304626.
Genomic context (GRCh38, chr11:118,505,557, plus strand): 5'-CAGAATCCAGCCAGAGGACAGACCTCAGTACCACAGTAGCCACTCCATCCTCTGGACTCA[A>G]GAAAAGACCCATATCTCGTCTACAGACCCGAAAGAATAAAAAACTTGCTCCCTCTAGTAC-3'
Protein context (NP_001184033.1, residues 3212-3232): TTVATPSSGL[Lys3222Arg]KRPISRLQTR

ClinVar aggregate classification (germline): Conflicting classifications of pathogenicity. Review status: criteria provided, conflicting classifications (1 of 4 stars). 2 submissions from 2 submitters: Uncertain significance (1); Likely benign (1). Last evaluated 2025-10-16.

Allele frequency attached by ClinVar (database versions not stated): ExAC 0.00001; gnomAD exomes 0.00001; gnomAD 0.00003 and 0.00004; TOPMed 0.00006.
gnomAD v4.1: 17 of 1,614,052 alleles (0.0011%); highest among the groups gnomAD compares: African/African-American, 0.019%; no homozygotes.

Submissions (2):

Labcorp Genetics (formerly Invitae), Labcorp
Classification: Uncertain significance. Last evaluated: 2025-10-16. Review status: criteria provided, single submitter. Criteria: Invitae Variant Classification Sherloc (09022015). Collection method: clinical testing. Allele origin: germline.
Comment: This sequence change replaces lysine, which is basic and polar, with arginine, which is basic and polar, at codon 3222 of the KMT2A protein (p.Lys3222Arg). This variant is present in population databases (rs782106243, gnomAD 0.01%). This variant has not been reported in the literature in individuals affected with KMT2A-related conditions. ClinVar contains an entry for this variant (Variation ID: 1435278). Invitae Evidence Modeling of protein sequence and biophysical properties (such as structural, functional, and spatial information, amino acid conservation, physicochemical variation, residue mobility, and thermodynamic stability) indicates that this missense variant is not expected to disrupt KMT2A protein function with a negative predictive value of 95%. In summary, the available evidence is currently insufficient to determine the role of this variant in disease. Therefore, it has been classified as a Variant of Uncertain Significance.

Blueprint Genetics
Classification: Likely benign. Last evaluated: 2020-03-04. Review status: criteria provided, single submitter. Criteria: ACMG Guidelines, 2015. Collection method: clinical testing. Allele origin: germline.